The following is an entry in ClinVar:

NM_006929.5(SKIC2):c.29C>T (p.Pro10Leu)

Gene: SKIC2 (SKI2 subunit of superkiller complex; plus strand). Cytogenetic location: 6p21.33.
Variant type: single nucleotide variant.
Coding change: c.29C>T on transcript NM_006929.5 (MANE Select); coding-DNA position 29, C replaced by T.
Protein change: p.Pro10Leu; replaces proline 10 with leucine.
Molecular consequence: missense variant.
Genome position (GRCh38, 1-based): chr6:31,959,303, C>T. VCF-style: chr6-31959303-C-T. GRCh37 (hg19) VCF-style: chr6-31927080-C-T.
Other names: short protein forms P10L.
Identifiers: ClinVar variation 1449394 (VCV001449394.3), dbSNP rs544634008, ClinGen allele CA3729048.

ClinVar aggregate classification (germline): Uncertain significance (1 of 4 stars; one submission).

Allele frequency attached by ClinVar (database versions not stated): gnomAD exomes 0.00001 and 0.00004; TOPMed 0.00002; gnomAD 0.00003 and 0.00006; ExAC 0.00005; 1000 Genomes Project 30x 0.00078; 1000 Genomes Project 0.00100.
gnomAD v4.1: 19 of 1,613,220 alleles (0.0012%); highest among the groups gnomAD compares: East Asian, 0.025%; no homozygotes.

Submission:

Labcorp Genetics (formerly Invitae), Labcorp
Classification: Uncertain significance. Last evaluated: 2022-05-03. Review status: criteria provided, single submitter. Criteria: Invitae Variant Classification Sherloc (09022015). Collection method: clinical testing. Allele origin: germline.
Comment: This sequence change replaces proline, which is neutral and non-polar, with leucine, which is neutral and non-polar, at codon 10 of the SKIV2L protein (p.Pro10Leu). This variant is present in population databases (rs544634008, gnomAD 0.03%). This variant has not been reported in the literature in individuals affected with SKIV2L-related conditions. Algorithms developed to predict the effect of missense changes on protein structure and function are either unavailable or do not agree on the potential impact of this missense change (SIFT: "Deleterious"; PolyPhen-2: "Benign"; Align-GVGD: "Class C0"). In summary, the available evidence is currently insufficient to determine the role of this variant in disease. Therefore, it has been classified as a Variant of Uncertain Significance.